The following is an entry in ClinVar:

NM_001376.5(DYNC1H1):c.13831C>T (p.Leu4611=)

Gene: DYNC1H1 (dynein cytoplasmic 1 heavy chain 1; plus strand). Cytogenetic location: 14q32.31.
Variant type: single nucleotide variant.
Coding change: c.13831C>T on transcript NM_001376.5 (MANE Select); coding-DNA position 13831, C replaced by T.
Protein change: p.Leu4611=; no amino-acid change (leucine 4611 retained).
Molecular consequence: synonymous variant.
Genome position (GRCh38, 1-based): chr14:102,050,453, C>T. VCF-style: chr14-102050453-C-T. GRCh37 (hg19) VCF-style: chr14-102516790-C-T.
Identifiers: ClinVar variation 589815 (VCV000589815.14), dbSNP rs567441940, ClinGen allele CA7354381.

ClinVar aggregate classification (germline): Likely benign. Review status: criteria provided, multiple submitters, no conflicts (2 of 4 stars). 3 submissions from 3 submitters: Likely benign (3). Last evaluated 2025-12-18.

Conditions:
Charcot-Marie-Tooth disease axonal type 2O. Also called: CHARCOT-MARIE-TOOTH NEUROPATHY, AXONAL, TYPE 2O; CHARCOT-MARIE-TOOTH DISEASE, AXONAL, AUTOSOMAL DOMINANT, TYPE 2O; Charcot-Marie-Tooth disease, axonal, type 20; Charcot-Marie-Tooth Neuropathy Type 2O. Identifiers: Orphanet 284232, MedGen C3280220, MONDO:0013644, OMIM 614228.
DYNC1H1-related disorder. Also called: DYNC1H1-related condition; DYNC1H1-related disorders. Identifiers: MedGen CN381529.
Inborn genetic diseases. Identifiers: MedGen C0950123, MeSH D030342.

Allele frequency attached by ClinVar (database versions not stated): gnomAD exomes below 0.00001 and 0.00001; gnomAD 0.00001 and 0.00003; TOPMed 0.00001; ExAC 0.00002; 1000 Genomes Project 30x 0.00016; 1000 Genomes Project 0.00020.
gnomAD v4.1: 21 of 1,614,214 alleles (0.0013%); highest among the groups gnomAD compares: African/African-American, 0.017%; 1 homozygote.

Submissions (3):

PreventionGenetics, part of Exact Sciences
Classification: Likely benign for DYNC1H1-related condition. Last evaluated: 2025-12-18. Review status: criteria provided, single submitter. Criteria: ACMG Guidelines, 2015. Collection method: clinical testing. Allele origin: germline.
Comment: This variant is classified as likely benign based on ACMG/AMP sequence variant interpretation guidelines (Richards et al. 2015 PMID: 25741868, with internal and published modifications).

Labcorp Genetics (formerly Invitae), Labcorp
Classification: Likely benign for Charcot-Marie-Tooth disease axonal type 2O. Last evaluated: 2025-09-02. Review status: criteria provided, single submitter. Criteria: Invitae Variant Classification Sherloc (09022015). Collection method: clinical testing. Allele origin: germline.

Ambry Genetics
Classification: Likely benign for Inborn genetic diseases. Last evaluated: 2016-04-15. Review status: criteria provided, single submitter. Criteria: Ambry Variant Classification Scheme 2023. Collection method: clinical testing. Allele origin: germline.